The following is an entry in ClinVar:

ClinVar aggregate classification (germline): Uncertain significance. Review status: criteria provided, multiple submitters, no conflicts (2 of 4 stars). 2 submissions from 2 submitters: Uncertain significance (2). Last evaluated 2025-06-12.

Conditions:
Familial thoracic aortic aneurysm and aortic dissection (TAAD). Also called: Thoracic aortic aneurysms and dissections. Identifiers: Orphanet 91387, MedGen C4707243, MONDO:0019625.
Aortic aneurysm, familial thoracic 4 (AAT4). Also called: AORTIC ANEURYSM/AORTIC DISSECTION AND PATENT DUCTUS ARTERIOSUS. Identifiers: MedGen C1851504, MONDO:0007568, OMIM 132900.

gnomAD v4.1: 1 of 1,614,136 alleles (0.000062%); highest among the groups gnomAD compares: Non-Finnish European, 0.000085%; no homozygotes.

Submissions (2):

Labcorp Genetics (formerly Invitae), Labcorp
Classification: Uncertain significance for Aortic aneurysm, familial thoracic 4. Last evaluated: 2025-06-12. Review status: criteria provided, single submitter. Criteria: Invitae Variant Classification Sherloc (09022015). Collection method: clinical testing. Allele origin: germline.
Comment: This sequence change replaces arginine, which is basic and polar, with lysine, which is basic and polar, at codon 828 of the MYH11 protein (p.Arg828Lys). This variant is not present in population databases (gnomAD no frequency). This variant has not been reported in the literature in individuals affected with MYH11-related conditions. ClinVar contains an entry for this variant (Variation ID: 1331977). Invitae Evidence Modeling of protein sequence and biophysical properties (such as structural, functional, and spatial information, amino acid conservation, physicochemical variation, residue mobility, and thermodynamic stability) indicates that this missense variant is not expected to disrupt MYH11 protein function with a negative predictive value of 95%. In summary, the available evidence is currently insufficient to determine the role of this variant in disease. Therefore, it has been classified as a Variant of Uncertain Significance.

Color Diagnostics, LLC DBA Color Health
Classification: Uncertain significance for Familial thoracic aortic aneurysm and aortic dissection. Last evaluated: 2024-03-06. Review status: criteria provided, single submitter. Criteria: ACMG Guidelines, 2015. Collection method: clinical testing. Allele origin: germline.
Comment: This missense variant replaces arginine with lysine at codon 828 of the MYH11 protein. Computational prediction suggests that this variant may not impact protein structure and function (internally defined REVEL score threshold <= 0.5, PMID: 27666373). To our knowledge, functional studies have not been reported for this variant. This variant has not been reported in individuals affected with cardiovascular disorders in the literature. This variant has not been identified in the general population by the Genome Aggregation Database (gnomAD). The available evidence is insufficient to determine the role of this variant in disease conclusively. Therefore, this variant is classified as a Variant of Uncertain Significance.

NM_002474.3(MYH11):c.2462G>A (p.Arg821Lys)

Gene: MYH11 (myosin heavy chain 11; minus strand). Cytogenetic location: 16p13.11.
Variant type: single nucleotide variant.
Coding change: c.2462G>A on transcript NM_002474.3 (MANE Select); coding-DNA position 2462, G replaced by A.
Protein change: p.Arg821Lys; replaces arginine 821 with lysine.
Molecular consequence: missense variant.
Genome position (GRCh38, 1-based): chr16:15,745,187, C>T on the plus strand (G>A on the coding strand, the complement: MYH11 is on the minus strand). VCF-style: chr16-15745187-C-T. GRCh37 (hg19) VCF-style: chr16-15839044-C-T.
Other names: c.2483G>A, p.Arg828Lys (NM_001040113.2, NM_001040114.2); c.2462G>A, p.Arg821Lys (NM_022844.3); short protein forms R821K, R828K.
Identifiers: ClinVar variation 1331977 (VCV001331977.5), dbSNP rs2151256712, ClinGen allele CA394866841.